The following is an entry in ClinVar:

NM_000256.3(MYBPC3):c.747C>A (p.Cys249Ter)

Gene: MYBPC3 (myosin binding protein C3; minus strand). Cytogenetic location: 11p11.2.
Variant type: single nucleotide variant.
Coding change: c.747C>A on transcript NM_000256.3 (MANE Select); coding-DNA position 747, C replaced by A.
Protein change: p.Cys249Ter; replaces cysteine 249 with a stop codon.
Molecular consequence: nonsense.
Genome position (GRCh38, 1-based): chr11:47,348,449, G>T on the plus strand (C>A on the coding strand, the complement: MYBPC3 is on the minus strand). VCF-style: chr11-47348449-G-T. GRCh37 (hg19) VCF-style: chr11-47370000-G-T.
Other names: c.747C>A, p.Cys249Ter (LRG_386t1); short protein forms C249*.
Identifiers: ClinVar variation 418352 (VCV000418352.10), dbSNP rs771929829, ClinGen allele CA16619343.

ClinVar aggregate classification (germline): Pathogenic/Likely pathogenic. Review status: criteria provided, multiple submitters, no conflicts (2 of 4 stars). 3 submissions from 3 submitters: Pathogenic (2); Likely pathogenic (1). Last evaluated 2022-09-23.

Conditions:
MYBPC3-related disorder. Also called: MYBPC3-related disorders; MYBPC3-related condition; MYBPC3-related disease.
Hypertrophic cardiomyopathy. Also called: HYPERTROPHIC MYOCARDIOPATHY. Identifiers: Orphanet 217569, MedGen C0007194, MeSH D002312, MONDO:0005045, HP:0001639.

Allele frequency attached by ClinVar (database versions not stated): gnomAD 0.00001.
gnomAD v4.1: 3 of 1,612,830 alleles (0.00019%); highest among the groups gnomAD compares: Non-Finnish European, 0.00025%; no homozygotes.

Submissions (3):

Labcorp Genetics (formerly Invitae), Labcorp
Classification: Pathogenic for Hypertrophic cardiomyopathy. Last evaluated: 2022-09-23. Review status: criteria provided, single submitter. Criteria: Invitae Variant Classification Sherloc (09022015). Collection method: clinical testing. Allele origin: germline.
Comment: This sequence change creates a premature translational stop signal (p.Cys249*) in the MYBPC3 gene. It is expected to result in an absent or disrupted protein product. Loss-of-function variants in MYBPC3 are known to be pathogenic (PMID: 19574547). This variant is present in population databases (no rsID available, gnomAD 0.007%). This premature translational stop signal has been observed in individual(s) with hypertrophic cardiomyopathy (PMID: 27532257). ClinVar contains an entry for this variant (Variation ID: 418352). For these reasons, this variant has been classified as Pathogenic.

Blueprint Genetics
Classification: Pathogenic for MYBPC3-related disorders. Last evaluated: 2019-09-23. Review status: criteria provided, single submitter. Criteria: ACMG Guidelines, 2015. Collection method: clinical testing. Allele origin: germline. Affected: yes. Observed: 2 variant alleles.

GeneDx
Classification: Likely pathogenic. Last evaluated: 2017-02-13. Review status: criteria provided, single submitter. Criteria: GeneDx Variant Classification (06012015). Collection method: clinical testing. Allele origin: germline. Affected: yes.
Comment: The C249X likely pathogenic variant in the MYBPC3 gene has not been reported as a pathogenic or benign to our knowledge. C249X is predicted to cause loss of normal protein function either by protein truncation or nonsense-mediated mRNA decay. Multiple other downstream nonsense variants in the MYBPC3 gene have been reported in Human Gene Mutation Database in association with HCM (Stenson et al., 2014). Furthermore, the C249X variant is not observed in large population cohorts (Lek et al., 2016; 1000 Genomes Consortium et al., 2015; Exome Variant Server).

Literature cited by the submitters: PubMed 19574547 (cited by Labcorp Genetics (formerly Invitae), Labcorp); PubMed 27532257 (cited by Labcorp Genetics (formerly Invitae), Labcorp).